The following is an entry in ClinVar:

ClinVar aggregate classification (germline): Pathogenic/Likely pathogenic. Review status: criteria provided, multiple submitters, no conflicts (2 of 4 stars). 2 submissions from 2 submitters: Pathogenic (1); Likely pathogenic (1). Last evaluated 2025-04-19.

Conditions:
Retinitis pigmentosa 39 (RP39). Identifiers: Orphanet 791, MedGen C3151138, MONDO:0013436, OMIM 613809.

Submissions (2):

Labcorp Genetics (formerly Invitae), Labcorp
Classification: Pathogenic. Last evaluated: 2025-04-19. Review status: criteria provided, single submitter. Criteria: Invitae Variant Classification Sherloc (09022015). Collection method: clinical testing. Allele origin: germline.
Comment: This sequence change creates a premature translational stop signal (p.Asn330*) in the USH2A gene. It is expected to result in an absent or disrupted protein product. Loss-of-function variants in USH2A are known to be pathogenic (PMID: 10729113, 10909849, 20507924, 25649381). This variant is not present in population databases (gnomAD no frequency). This variant has not been reported in the literature in individuals affected with USH2A-related conditions. ClinVar contains an entry for this variant (Variation ID: 1426752). Algorithms developed to predict the effect of sequence changes on RNA splicing suggest that this variant may disrupt the consensus splice site. For these reasons, this variant has been classified as Pathogenic.

Baylor Genetics
Classification: Likely pathogenic for Retinitis pigmentosa 39. Last evaluated: 2024-03-29. Review status: criteria provided, single submitter. Criteria: ACMG Guidelines, 2015. Collection method: clinical testing. Allele origin: unknown.

Literature cited by the submitters: PubMed 10729113 (cited by Labcorp Genetics (formerly Invitae), Labcorp); PubMed 10909849 (cited by Labcorp Genetics (formerly Invitae), Labcorp); PubMed 20507924 (cited by Labcorp Genetics (formerly Invitae), Labcorp); PubMed 25649381 (cited by Labcorp Genetics (formerly Invitae), Labcorp).

NM_206933.4(USH2A):c.987_988insTAA (p.Asn330Ter)

Gene: USH2A (usherin; minus strand). Cytogenetic location: 1q41.
Variant type: Insertion.
Coding change: c.987_988insTAA on transcript NM_206933.4 (MANE Select); coding-DNA positions 987 to 988, TAA inserted.
Protein change: p.Asn330Ter; replaces asparagine 330 with a stop codon.
Molecular consequence: nonsense.
Genome position: GRCh38 VCF-style: chr1-216325460-T-TTTA. GRCh37 (hg19) VCF-style: chr1-216498802-T-TTTA.
Other names: c.987_988insTAA, p.Asn330Ter (NM_007123.6); short protein forms N330*.
Identifiers: ClinVar variation 1426752 (VCV001426752.8), dbSNP rs2102655994, ClinGen allele CA2573132658.